The following is an entry in ClinVar:

NM_001009944.3(PKD1):c.10262C>T (p.Pro3421Leu)

Gene: PKD1 (polycystin 1, transient receptor potential channel interacting; minus strand). Cytogenetic location: 16p13.3.
Variant type: single nucleotide variant.
Coding change: c.10262C>T on transcript NM_001009944.3 (MANE Select); coding-DNA position 10262, C replaced by T.
Protein change: p.Pro3421Leu; replaces proline 3421 with leucine.
Molecular consequence: missense variant.
Genome position (GRCh38, 1-based): chr16:2,097,462, G>A on the plus strand (C>T on the coding strand, the complement: PKD1 is on the minus strand). VCF-style: chr16-2097462-G-A. GRCh37 (hg19) VCF-style: chr16-2147463-G-A.
Other names: c.10259C>T, p.Pro3420Leu (NM_000296.4); short protein forms P3420L, P3421L.
Identifiers: ClinVar variation 4082482 (VCV004082482.4).

ClinVar aggregate classification (germline): Uncertain significance. Review status: criteria provided, multiple submitters, no conflicts (2 of 4 stars). 3 submissions from 3 submitters: Uncertain significance (3). Last evaluated 2026-01-20.

Conditions:
PKD1-related disorder. Also called: PKD1-related condition.
Polycystic kidney disease, adult type (PKD1). Also called: Polycystic Kidney Disease 1, Autosomal Dominant; Polycystic kidney disease 1; Polycystic kidney disease 1, severe; Polycystic Kidney, Autosomal Dominant; POLYCYSTIC KIDNEY DISEASE, ADULT, TYPE I; POLYCYSTIC KIDNEY DISEASE 1 WITH OR WITHOUT POLYCYSTIC LIVER DISEASE. Identifiers: MedGen C3149841, MONDO:0008263, OMIM 173900.

gnomAD v4.1: 66 of 1,604,332 alleles (0.0041%); highest among the groups gnomAD compares: African/African-American, 0.037%; no homozygotes.

Submissions (3):

PreventionGenetics, part of Exact Sciences
Classification: Uncertain significance for PKD1-related condition. Last evaluated: 2026-01-20. Review status: criteria provided, single submitter. Criteria: ACMG Guidelines, 2015. Collection method: clinical testing. Allele origin: germline.
Comment: The PKD1 c.10262C>T variant is predicted to result in the amino acid substitution p.Pro3421Leu. To our knowledge, this variant has not been reported in the literature. This variant is reported in 0.041% of alleles in individuals of African descent in gnomAD. Although we suspect that this variant may be benign, at this time, the clinical significance of this variant is uncertain due to the absence of conclusive functional and genetic evidence.

Genetic Services Laboratory, University of Chicago
Classification: Uncertain significance. Last evaluated: 2024-06-07. Review status: criteria provided, single submitter. Criteria: ACMG Guidelines, 2015. Collection method: clinical testing. Allele origin: germline. Affected: no.
Comment: DNA sequence analysis of the PKD1 gene demonstrated a sequence change, c.10262C>T, in exon 33 that results in an amino acid change, p.Pro3421Leu. This sequence change does not appear to have been previously described in individuals with PKD1-related disorders. This sequence change has been described in the gnomAD database with a frequency of 0.006% in the overall population (dbSNP rs545053536). The p.Pro3421Leu change affects a highly conserved amino acid residue located in a domain of the PKD1 protein that is not known to be functional. In-silico pathogenicity prediction tools (SIFT, PolyPhen2, Align GVGD, REVEL) provide contradictory results for the p.Pro3421Leu substitution. Due to insufficient evidence and the lack of functional studies, the clinical significance of the p.Pro3421Leu change remains unknown at this time.

Juno Genomics, Hangzhou Juno Genomics, Inc
Classification: Uncertain significance for Polycystic kidney disease, adult type. Review status: criteria provided, single submitter. Criteria: ACMG Guidelines, 2015. Collection method: clinical testing. Allele origin: germline.
Comment: Absent from controls (or at extremely low frequency if recessive) in Genome Aggregation Database.